The following is an entry in ClinVar:

ClinVar aggregate classification (germline): Benign. Review status: criteria provided, multiple submitters, no conflicts (2 of 4 stars). 2 submissions from 2 submitters: Benign (2). Last evaluated 2018-01-13.

Conditions:
Parkinson disease 5, autosomal dominant, susceptibility to (PARK5). Also called: Parkinson disease 5, susceptibility to. Identifiers: Orphanet 2828, MedGen C3150899, MONDO:0013340, OMIM 613643.

Allele frequency attached by ClinVar (database versions not stated): 1000 Genomes Project 30x 0.00078; ESP Exome Variant Server 0.00197; 1000 Genomes Project 0.00080; gnomAD 0.00108; TOPMed 0.00157.

Submissions (2):

Illumina Laboratory Services, Illumina
Classification: Benign for Parkinson disease 5, autosomal dominant, susceptibility to. Last evaluated: 2018-01-13. Review status: criteria provided, single submitter. Criteria: ICSL Variant Classification Criteria 13 December 2019. Collection method: clinical testing. Allele origin: germline.
Comment: This variant was observed in the ICSL laboratory as part of a predisposition screen in an ostensibly healthy population. It had not been previously curated by ICSL or reported in the Human Gene Mutation Database (HGMD: prior to June 1st, 2018), and was therefore a candidate for classification through an automated scoring system. Utilizing variant allele frequency, disease prevalence and penetrance estimates, and inheritance mode, an automated score was calculated to assess if this variant is too frequent to cause the disease. Based on the score and internal cut-off values, a variant classified as benign is not then subjected to further curation. The score for this variant resulted in a classification of benign for this disease.

Breakthrough Genomics
Classification: Benign. Review status: criteria provided, single submitter. Criteria: ACMG Guidelines, 2015. Collection method: not provided. Allele origin: germline. Inheritance: Autosomal recessive inheritance. Affected: yes.

NM_004181.4(UCHL1):c.-71C>G

Gene: UCHL1 (ubiquitin C-terminal hydrolase L1; plus strand). Cytogenetic location: 4p13.
Variant type: single nucleotide variant.
Coding change: c.-71C>G on transcript NM_004181.4; 71 bases upstream of the start codon, C replaced by G.
Genome position (GRCh38, 1-based): chr4:41,256,906, C>G. VCF-style: chr4-41256906-C-G. GRCh37 (hg19) VCF-style: chr4-41258923-C-G.
Identifiers: ClinVar variation 348764 (VCV000348764.8), dbSNP rs201100258, ClinGen allele CA10621029.